The following is an entry in ClinVar:

ClinVar aggregate classification (germline): Pathogenic (1 of 4 stars; one submission).

Submission:

Labcorp Genetics (formerly Invitae), Labcorp
Classification: Pathogenic. Last evaluated: 2021-06-26. Review status: criteria provided, single submitter. Criteria: Invitae Variant Classification Sherloc (09022015). Collection method: clinical testing. Allele origin: germline.
Comment: This sequence change creates a premature translational stop signal (p.Arg465Thrfs*23) in the ATP6V1B1 gene. While this is not anticipated to result in nonsense mediated decay, it is expected to disrupt the last 49 amino acid(s) of the ATP6V1B1 protein. This variant is not present in population databases (ExAC no frequency). This variant has not been reported in the literature in individuals with ATP6V1B1-related conditions. This variant disrupts the C-terminus of the ATP6V1B1 protein. Other variant(s) that disrupt this region (p.Phe468Cysfs*20) have been determined to be pathogenic (PMID: 18368028, 25164082, 8651253). This suggests that variants that disrupt this region of the protein are likely to be causative of disease. For these reasons, this variant has been classified as Pathogenic.

Literature cited by the submitters: PubMed 18368028; PubMed 25164082; PubMed 8651253.

NM_001692.4(ATP6V1B1):c.1391_1392dup (p.Arg465fs)

Gene: ATP6V1B1 (ATPase H+ transporting V1 subunit B1; plus strand). Cytogenetic location: 2p13.3.
Variant type: Duplication.
Coding change: c.1391_1392dup on transcript NM_001692.4 (MANE Select); coding-DNA positions 1391 to 1392, 2 bases duplicated (AC; older notation c.1391_1392dupAC).
Protein change: p.Arg465fs; shifts the reading frame from arginine 465.
Molecular consequence: frameshift variant.
Genome position (GRCh38, 1-based): chr2:70,964,970-70,964,971, AC duplicated. VCF-style (leftmost placement, unchanged base first): chr2-70964969-A-AAC. GRCh37 (hg19) VCF-style: chr2-71192099-A-AAC.
Other names: short protein forms R465fs.
Identifiers: ClinVar variation 1376028 (VCV001376028.8), dbSNP rs2104834677, ClinGen allele CA2573135891.